The following is an entry in ClinVar:

ClinVar aggregate classification (germline): Conflicting classifications of pathogenicity. Review status: criteria provided, conflicting classifications (1 of 4 stars). 3 submissions from 3 submitters: Likely pathogenic (1); Uncertain significance (1). 1 of the submissions does not count toward it. Last evaluated 2022-07-12.

Conditions:
ARG1-related disorder. Also called: ARG1-related condition.
Arginase deficiency. Also called: ARGININEMIA; ARG1 DEFICIENCY; Arginase 1 Deficiency. Identifiers: Orphanet 90, MedGen C0268548, MONDO:0008814, OMIM 207800.

Allele frequency attached by ClinVar (database versions not stated): gnomAD 0.00001; TOPMed 0.00002.
gnomAD v4.1: 9 of 1,613,956 alleles (0.00056%); highest among the groups gnomAD compares: African/African-American, 0.0013%; no homozygotes.

Submissions (3):

Labcorp Genetics (formerly Invitae), Labcorp
Classification: Uncertain significance for Arginase deficiency. Last evaluated: 2022-07-12. Review status: criteria provided, single submitter. Criteria: Invitae Variant Classification Sherloc (09022015). Collection method: clinical testing. Allele origin: germline.
Comment: This sequence change replaces glycine, which is neutral and non-polar, with arginine, which is basic and polar, at codon 305 of the ARG1 protein (p.Gly305Arg). This variant is present in population databases (no rsID available, gnomAD 0.004%). This missense change has been observed in individual(s) with ARG1-related conditions (PMID: 21310339). ClinVar contains an entry for this variant (Variation ID: 550134). Algorithms developed to predict the effect of missense changes on protein structure and function are either unavailable or do not agree on the potential impact of this missense change (SIFT: "Deleterious"; PolyPhen-2: "Probably Damaging"; Align-GVGD: "Class C15"). In summary, the available evidence is currently insufficient to determine the role of this variant in disease. Therefore, it has been classified as a Variant of Uncertain Significance.

Blueprint Genetics
Classification: Likely pathogenic for ARG1-related disorders. Last evaluated: 2022-02-03. Review status: criteria provided, single submitter. Criteria: ACMG Guidelines, 2015. Collection method: clinical testing. Allele origin: germline. Affected: yes. Observed: 1 variant allele.

Counsyl
Classification: Uncertain significance for Arginase deficiency. Last evaluated: 2017-01-05. Review status: no assertion criteria provided. Collection method: clinical testing. Allele origin: unknown. Not counted in ClinVar's aggregate classification.

Literature cited by the submitters: PubMed 21310339 (cited by Labcorp Genetics (formerly Invitae), Labcorp).

NM_000045.4(ARG1):c.913G>C (p.Gly305Arg)

Genes: MED23 (mediator complex subunit 23; minus strand), ARG1 (arginase 1; plus strand). Cytogenetic location: 6q23.2.
Variant type: single nucleotide variant.
Coding change: c.913G>C on transcript NM_000045.4 (MANE Select); coding-DNA position 913, G replaced by C.
Protein change: p.Gly305Arg; replaces glycine 305 with arginine.
Molecular consequence: missense variant. On other transcripts: non-coding transcript variant (1), intron variant (2).
Genome position (GRCh38, 1-based): chr6:131,583,852, G>C. VCF-style: chr6-131583852-G-C. GRCh37 (hg19) VCF-style: chr6-131904992-G-C.
Other names: c.937G>C, p.Gly313Arg (NM_001244438.2); c.658G>C, p.Gly220Arg (NM_001369020.1); c.4077+3857C>G (NM_001270521.2); c.4095+3857C>G (NM_015979.4); short protein forms G305R, G313R, G220R.
Identifiers: ClinVar variation 550134 (VCV000550134.7), dbSNP rs866970619, ClinGen allele CA147898931.